The following is an entry in ClinVar:

ClinVar aggregate classification (germline): Uncertain significance. Review status: criteria provided, multiple submitters, no conflicts (2 of 4 stars). 2 submissions from 2 submitters: Uncertain significance (2). Last evaluated 2025-02-04.

Conditions:
NRP2-related disorder. Also called: NRP2-related condition.

Allele frequency attached by ClinVar (database versions not stated): ExAC 0.00002; 1000 Genomes Project 30x 0.00016; 1000 Genomes Project 0.00020.
gnomAD v4.1: 1 of 1,614,208 alleles (0.000062%); highest among the groups gnomAD compares: East Asian, 0.0022%; no homozygotes.

Submissions (2):

PreventionGenetics, part of Exact Sciences
Classification: Uncertain significance for NRP2-related condition. Last evaluated: 2025-02-04. Review status: criteria provided, single submitter. Criteria: ACMG Guidelines, 2015. Collection method: clinical testing. Allele origin: germline.
Comment: The NRP2 c.470A>T variant is predicted to result in the amino acid substitution p.Asn157Ile. To our knowledge, this variant has not been reported in the literature. This variant is reported in 0.016% of alleles in individuals of East Asian descent in gnomAD. At this time, the clinical significance of this variant is uncertain due to the absence of conclusive functional and genetic evidence.

Ambry Genetics
Classification: Uncertain significance. Last evaluated: 2024-09-27. Review status: criteria provided, single submitter. Criteria: Ambry Variant Classification Scheme 2023. Collection method: clinical testing. Allele origin: germline.

NM_003872.3(NRP2):c.470A>T (p.Asn157Ile)

Gene: NRP2 (neuropilin 2; plus strand). Cytogenetic location: 2q33.3.
Variant type: single nucleotide variant.
Coding change: c.470A>T on transcript NM_003872.3 (MANE Select); coding-DNA position 470, A replaced by T.
Protein change: p.Asn157Ile; replaces asparagine 157 with isoleucine.
Molecular consequence: missense variant.
Genome position (GRCh38, 1-based): chr2:205,722,514, A>T. VCF-style: chr2-205722514-A-T. GRCh37 (hg19) VCF-style: chr2-206587238-A-T.
Other names: c.470A>T, p.Asn157Ile (NM_018534.4, NM_201264.2, NM_201266.2 and 2 more transcripts); short protein forms N157I.
Identifiers: ClinVar variation 3030554 (VCV003030554.4), dbSNP rs547293929, ClinGen allele CA2068833.